The following is an entry in ClinVar:

NM_000271.5(NPC1):c.1947+23A>G

Gene: NPC1 (NPC intracellular cholesterol transporter 1; minus strand). Cytogenetic location: 18q11.2.
Variant type: single nucleotide variant.
Coding change: c.1947+23A>G on transcript NM_000271.5 (MANE Select); 23 bases into the intron after coding-DNA position 1947, A replaced by G.
Molecular consequence: intron variant.
Genome position (GRCh38, 1-based): chr18:23,544,937, T>C on the plus strand (A>G on the coding strand, the complement: NPC1 is on the minus strand). VCF-style: chr18-23544937-T-C. GRCh37 (hg19) VCF-style: chr18-21124901-T-C.
Identifiers: ClinVar variation 4989410 (VCV004989410.1).

ClinVar aggregate classification (germline): Likely benign (1 of 4 stars; one submission).

Conditions:
NPC1-related disorder. Also called: NPC1-related condition.

Submission:

PreventionGenetics, part of Exact Sciences
Classification: Likely benign for NPC1-related condition. Last evaluated: 2026-09-14. Review status: criteria provided, single submitter. Criteria: ACMG Guidelines, 2015. Collection method: clinical testing. Allele origin: germline.
Comment: This variant is classified as likely benign based on ACMG/AMP sequence variant interpretation guidelines (Richards et al. 2015 PMID: 25741868, with internal and published modifications).